The following is an entry in ClinVar:

ClinVar aggregate classification (germline): Uncertain significance (1 of 4 stars; one submission).

Submission:

GeneDx
Classification: Uncertain significance. Last evaluated: 2024-10-23. Review status: criteria provided, single submitter. Criteria: GeneDx Variant Classification Process June 2021. Collection method: clinical testing. Allele origin: germline. Affected: yes.
Comment: Not observed at significant frequency in large population cohorts (gnomAD); Has not been previously published as pathogenic or benign to our knowledge; Nonsense variant predicted to result in protein truncation as the last 114 amino acids are lost with an unclear effect on protein function

NM_003718.5(CDK13):c.4196C>A (p.Ser1399Ter)

Gene: CDK13 (cyclin dependent kinase 13; plus strand). Cytogenetic location: 7p14.1.
Variant type: single nucleotide variant.
Coding change: c.4196C>A on transcript NM_003718.5 (MANE Select); coding-DNA position 4196, C replaced by A.
Protein change: p.Ser1399Ter; replaces serine 1399 with a stop codon.
Molecular consequence: nonsense.
Genome position (GRCh38, 1-based): chr7:40,094,637, C>A. VCF-style: chr7-40094637-C-A. GRCh37 (hg19) VCF-style: chr7-40134236-C-A.
Other names: c.4016C>A, p.Ser1339Ter (NM_031267.4); short protein forms S1339*, S1399*.
Identifiers: ClinVar variation 3893506 (VCV003893506.1).